The following is an entry in ClinVar:

ClinVar aggregate classification (germline): Likely pathogenic (1 of 4 stars; one submission).

Conditions:
Primary familial dilated cardiomyopathy (FDC). Also called: Familial dilated cardiomyopathy; Hypokinetic dilated cardiomyopathy, familial. Identifiers: Orphanet 217607, MedGen C0340427, MONDO:0016333.

Submission:

Women's Health and Genetics/Laboratory Corporation of America, LabCorp
Classification: Likely pathogenic for Primary familial dilated cardiomyopathy. Last evaluated: 2023-04-18. Review status: criteria provided, single submitter. Criteria: LabCorp Variant Classification Summary - May 2015. Collection method: clinical testing. Allele origin: germline.
Comment: Variant summary: TTN c.8983delG (p.Glu2995LysfsX8) results in a premature termination codon, predicted to cause a truncation of the encoded protein or absence of the protein due to nonsense mediated decay, which are commonly known mechanisms for disease. Truncations downstream of this position have been classified as pathogenic by our laboratory. The variant was absent in 251196 control chromosomes (gnomAD). To our knowledge, no occurrence of c.8983delG in individuals affected with Dilated Cardiomyopathy and no experimental evidence demonstrating its impact on protein function have been reported. No clinical diagnostic laboratories have submitted clinical-significance assessments for this variant to ClinVar after 2014. Based on the evidence outlined above, the variant was classified as likely pathogenic.

NM_001267550.2(TTN):c.8983del (p.Glu2995fs)

Gene: TTN (titin; minus strand). Cytogenetic location: 2q31.2.
Variant type: Deletion.
Coding change: c.8983del on transcript NM_001267550.2 (MANE Select); coding-DNA position 8983, one base deleted (G; older notation c.8983delG).
Protein change: p.Glu2995fs; shifts the reading frame from glutamic acid 2995.
Molecular consequence: frameshift variant.
Genome position (GRCh38, 1-based): chr2:178,768,853, C deleted on the plus strand (G on the coding strand, the reverse complement: TTN is on the minus strand). VCF-style (leftmost placement, unchanged base first): chr2-178768852-TC-T. GRCh37 (hg19) VCF-style: chr2-179633579-TC-T.
Other names: c.8983delG (NM_133378.4); c.8983del, p.Glu2995fs (NM_001256850.1, NM_133378.4, NM_133379.5); c.8845del, p.Glu2949fs (NM_003319.4, NM_133432.3, NM_133437.4); short protein forms E2949fs, E2995fs.
Identifiers: ClinVar variation 2503852 (VCV002503852.1), dbSNP rs2532403135, ClinGen allele CA2580616632.